The following is an entry in ClinVar:

ClinVar aggregate classification (germline): Uncertain significance (1 of 4 stars; one submission).

gnomAD v4.1: 2 of 1,614,168 alleles (0.00012%); highest among the groups gnomAD compares: Non-Finnish European, 0.00017%; no homozygotes.

Submission:

Labcorp Genetics (formerly Invitae), Labcorp
Classification: Uncertain significance. Last evaluated: 2022-03-12. Review status: criteria provided, single submitter. Criteria: Invitae Variant Classification Sherloc (09022015). Collection method: clinical testing. Allele origin: germline.
Comment: Advanced modeling of protein sequence and biophysical properties (such as structural, functional, and spatial information, amino acid conservation, physicochemical variation, residue mobility, and thermodynamic stability) performed at Invitae indicates that this missense variant is not expected to disrupt FAT4 protein function. In summary, the available evidence is currently insufficient to determine the role of this variant in disease. Therefore, it has been classified as a Variant of Uncertain Significance. This variant has not been reported in the literature in individuals affected with FAT4-related conditions. This variant is not present in population databases (gnomAD no frequency). This sequence change replaces serine, which is neutral and polar, with threonine, which is neutral and polar, at codon 4511 of the FAT4 protein (p.Ser4511Thr).

NM_001291303.3(FAT4):c.13538G>C (p.Ser4513Thr)

Gene: FAT4 (FAT atypical cadherin 4; plus strand). Cytogenetic location: 4q28.1.
Variant type: single nucleotide variant.
Coding change: c.13538G>C on transcript NM_001291303.3 (MANE Select); coding-DNA position 13538, G replaced by C.
Protein change: p.Ser4513Thr; replaces serine 4513 with threonine.
Molecular consequence: missense variant.
Genome position (GRCh38, 1-based): chr4:125,490,354, G>C. VCF-style: chr4-125490354-G-C. GRCh37 (hg19) VCF-style: chr4-126411509-G-C.
Other names: c.13535G>C, p.Ser4512Thr (NM_001291285.3); c.13532G>C, p.Ser4511Thr (NM_024582.6); short protein forms S4512T, S4513T, S4511T.
Identifiers: ClinVar variation 1968282 (VCV001968282.5), dbSNP rs767528848, ClinGen allele CA358136879.